The following is an entry in ClinVar:

NM_021969.3(NR0B2):c.754del (p.Asp252fs)

Genes: NUDC (nuclear distribution C, dynein complex regulator; plus strand), NR0B2 (nuclear receptor subfamily 0 group B member 2; minus strand). Cytogenetic location: 1p36.11.
Variant type: Deletion.
Coding change: c.754del on transcript NM_021969.3 (MANE Select); coding-DNA position 754, one base deleted (G; older notation c.754delG).
Protein change: p.Asp252fs; shifts the reading frame from aspartic acid 252.
Molecular consequence: frameshift variant.
Genome position (GRCh38, 1-based): chr1:26,911,865, C deleted on the plus strand (G on the coding strand, the reverse complement: NR0B2 is on the minus strand); the first of 4 consecutive C bases (chr1:26,911,865-26,911,868); deleting any one gives the same sequence. VCF-style (leftmost placement, unchanged base first): chr1-26911864-TC-T. GRCh37 (hg19) VCF-style: chr1-27238355-TC-T.
Other names: short protein forms D252fs.
Identifiers: ClinVar variation 2104287 (VCV002104287.4), dbSNP rs2522569538, ClinGen allele CA2580062653.

ClinVar aggregate classification (germline): Uncertain significance (1 of 4 stars; one submission).

Submission:

Labcorp Genetics (formerly Invitae), Labcorp
Classification: Uncertain significance. Last evaluated: 2024-04-16. Review status: criteria provided, single submitter. Criteria: Invitae Variant Classification Sherloc (09022015). Collection method: clinical testing. Allele origin: germline.
Comment: This sequence change results in a frameshift in the NR0B2 gene (p.Asp252Thrfs*32). While this is not anticipated to result in nonsense mediated decay, it is expected to disrupt the last 6 amino acid(s) of the NR0B2 protein and extend the protein by 25 additional amino acid residues. This variant is not present in population databases (gnomAD no frequency). This variant has not been reported in the literature in individuals affected with NR0B2-related conditions. ClinVar contains an entry for this variant (Variation ID: 2104287). In summary, the available evidence is currently insufficient to determine the role of this variant in disease. Therefore, it has been classified as a Variant of Uncertain Significance.